The following is an entry in ClinVar:

NM_001267550.2(TTN):c.101040G>T (p.Lys33680Asn)

Genes: TTN-AS1 (TTN antisense RNA 1; plus strand), TTN (titin; minus strand). Cytogenetic location: 2q31.2.
Variant type: single nucleotide variant.
Coding change: c.101040G>T on transcript NM_001267550.2 (MANE Select); coding-DNA position 101040, G replaced by T.
Protein change: p.Lys33680Asn; replaces lysine 33680 with asparagine.
Molecular consequence: missense variant.
Genome position (GRCh38, 1-based): chr2:178,535,575, C>A on the plus strand (G>T on the coding strand, the complement: TTN is on the minus strand). VCF-style: chr2-178535575-C-A. GRCh37 (hg19) VCF-style: chr2-179400302-C-A.
Other names: c.96117G>T, p.Lys32039Asn (NM_001256850.1); c.73845G>T, p.Lys24615Asn (NM_003319.4); c.93336G>T, p.Lys31112Asn (NM_133378.4); c.74220G>T, p.Lys24740Asn (NM_133432.3); c.74421G>T, p.Lys24807Asn (NM_133437.4); short protein forms K33680N, K31112N, K32039N, K24740N, K24615N, K24807N.
Identifiers: ClinVar variation 238690 (VCV000238690.26), dbSNP rs776913696, ClinGen allele CA1985939.

ClinVar aggregate classification (germline): Uncertain significance. Review status: criteria provided, multiple submitters, no conflicts (2 of 4 stars). 5 submissions from 5 submitters: Uncertain significance (5). Last evaluated 2026-03-31.

Conditions:
Cardiovascular phenotype. Identifiers: MedGen CN230736.
TTN-related disorder. Also called: TTN-related disorders; TTN-related condition; TTN-related disease.
Dilated cardiomyopathy 1G (CMD1G). Identifiers: Orphanet 154, MedGen C1858763, MONDO:0011400, OMIM 604145.
Autosomal recessive limb-girdle muscular dystrophy type 2J (LGMDR10). Also called: Limb-girdle muscular dystrophy, type 2J; MUSCULAR DYSTROPHY, LIMB-GIRDLE, AUTOSOMAL RECESSIVE 10. Identifiers: Orphanet 140922, MedGen C1837342, MONDO:0012127, OMIM 608807.

Allele frequency attached by ClinVar (database versions not stated): ExAC 0.00001; gnomAD exomes 0.00001 and 0.00006; TOPMed 0.00002; gnomAD 0.00003.

Submissions (5):

PreventionGenetics, part of Exact Sciences
Classification: Uncertain significance for TTN-related condition. Last evaluated: 2026-03-31. Review status: criteria provided, single submitter. Criteria: ACMG Guidelines, 2015. Collection method: clinical testing. Allele origin: germline.
Comment: The TTN c.101040G>T variant is predicted to result in the amino acid substitution p.Lys33680Asn. To our knowledge, this variant has not been reported in the literature. This variant is reported in 0.0031% of alleles in individuals of European (Non-Finnish) descent in gnomAD. At this time, the clinical significance of this variant is uncertain due to the absence of conclusive functional and genetic evidence.

Revvity Omics, Revvity
Classification: Uncertain significance. Last evaluated: 2024-11-15. Review status: criteria provided, single submitter. Criteria: ACMG Guidelines, 2015. Collection method: clinical testing. Allele origin: germline.

CeGaT Center for Human Genetics Tuebingen
Classification: Uncertain significance. Last evaluated: 2024-05-01. Review status: criteria provided, single submitter. Criteria: CeGaT Center For Human Genetics Tuebingen Variant Classification Criteria Version 2. Collection method: clinical testing. Allele origin: germline. Affected: yes. Observed: 1 variant allele.
Comment: TTN: PM2

Ambry Genetics
Classification: Uncertain significance for Cardiovascular phenotype. Last evaluated: 2020-07-21. Review status: criteria provided, single submitter. Criteria: Ambry Variant Classification Scheme 2023. Collection method: clinical testing. Allele origin: germline.
Comment: The p.K24615N variant (also known as c.73845G>T), located in coding exon 185 of the TTN gene, results from a G to T substitution at nucleotide position 73845. The lysine at codon 24615 is replaced by asparagine, an amino acid with similar properties. This amino acid position is not well conserved in available vertebrate species. In addition, this alteration is predicted to be tolerated by in silico analysis. Since supporting evidence is limited at this time, the clinical significance of this alteration remains unclear.

Labcorp Genetics (formerly Invitae), Labcorp
Classification: Uncertain significance for Dilated cardiomyopathy 1G; Autosomal recessive limb-girdle muscular dystrophy type 2J. Last evaluated: 2015-11-19. Review status: criteria provided, single submitter. Criteria: Invitae Variant Classification Sherloc (09022015). Collection method: clinical testing. Allele origin: germline.